The following is an entry in ClinVar:

NM_007078.3(LDB3):c.550A>G (p.Lys184Glu)

Gene: LDB3 (LIM domain binding 3; plus strand). Cytogenetic location: 10q23.2.
Variant type: single nucleotide variant.
Coding change: c.550A>G on transcript NM_007078.3 (MANE Select); coding-DNA position 550, A replaced by G.
Protein change: p.Lys184Glu; replaces lysine 184 with glutamic acid.
Molecular consequence: missense variant. On other transcripts: intron variant (5).
Genome position (GRCh38, 1-based): chr10:86,681,664, A>G. VCF-style: chr10-86681664-A-G. GRCh37 (hg19) VCF-style: chr10-88441421-A-G.
Other names: c.321+1507A>G (NM_001080116.1, NM_001368068.1, NM_001368066.1 and 2 more transcripts); c.550A>G, p.Lys184Glu (NM_001080115.2, NM_001171610.2, NM_001171611.2 and 3 more transcripts); short protein forms K184E.
Identifiers: ClinVar variation 235003 (VCV000235003.24), dbSNP rs774886148, ClinGen allele CA5584734.

ClinVar aggregate classification (germline): Conflicting classifications of pathogenicity. Review status: criteria provided, conflicting classifications (1 of 4 stars). 8 submissions from 8 submitters: Uncertain significance (4); Benign (1); Likely benign (2). 1 of the submissions does not count toward it. Last evaluated 2026-01-26.

Conditions:
LDB3-related disorder. Also called: LDB3-related condition.
Dilated cardiomyopathy 1C (CMD1C). Also called: CARDIOMYOPATHY, DILATED, 1C, WITH OR WITHOUT LEFT VENTRICULAR NONCOMPACTION; Cardiomyopathy, dilated, 1C, with or without LVNC. Identifiers: Orphanet 154, Orphanet 54260, MedGen C1832244, MONDO:0011094, OMIM 601493.
Myofibrillar myopathy 4. Also called: Zaspopathy (type). Identifiers: Orphanet 98912, MedGen C4721886, MONDO:0012277, OMIM 609452.
Cardiovascular phenotype. Identifiers: MedGen CN230736.

Allele frequency attached by ClinVar (database versions not stated): TOPMed 0.00007; ExAC 0.00008; gnomAD exomes 0.00006 and 0.00013; gnomAD 0.00001.
gnomAD v4.1: 37 of 1,613,224 alleles (0.0023%); highest among the groups gnomAD compares: Admixed American, 0.06%; no homozygotes.

Submissions (8):

Labcorp Genetics (formerly Invitae), Labcorp
Classification: Likely benign for Myofibrillar myopathy 4. Last evaluated: 2026-01-26. Review status: criteria provided, single submitter. Criteria: Invitae Variant Classification Sherloc (09022015). Collection method: clinical testing. Allele origin: germline.

Ambry Genetics
Classification: Benign for Cardiovascular phenotype. Last evaluated: 2024-05-23. Review status: criteria provided, single submitter. Criteria: Ambry Variant Classification Scheme 2023. Collection method: clinical testing. Allele origin: germline.

ARUP Laboratories, Molecular Genetics and Genomics, ARUP Laboratories
Classification: Uncertain significance. Last evaluated: 2024-05-15. Review status: criteria provided, single submitter. Criteria: ARUP Molecular Germline Variant Investigation Process 2024. Collection method: clinical testing. Allele origin: germline.
Comment: The LDB3 c.550A>G; p.Lys184Glu variant (rs774886148), to our knowledge, is not reported in the medical literature but is reported in ClinVar (Variation ID: 235003). This variant is observed in the general population with an overall allele frequency of 0.01% (33/280930 alleles) in the Genome Aggregation Database (v2.1.1). Computational analyses predict that this variant is neutral (REVEL: 0.018). Due to limited information, the clinical significance of this variant is uncertain at this time.

Women's Health and Genetics/Laboratory Corporation of America, LabCorp
Classification: Likely benign. Last evaluated: 2023-10-09. Review status: criteria provided, single submitter. Criteria: LabCorp Variant Classification Summary - May 2015. Collection method: clinical testing. Allele origin: germline.

New York Genome Center
Classification: Uncertain significance for Dilated cardiomyopathy 1C. Last evaluated: 2020-07-09. Review status: criteria provided, single submitter. Criteria: NYGC Assertion Criteria 2020. Collection method: clinical testing. Allele origin: germline. Observed: 1 heterozygote. Study: CSER-NYCKidSeq.

GeneDx
Classification: Uncertain significance. Last evaluated: 2017-06-02. Review status: criteria provided, single submitter. Criteria: GeneDx Variant Classification (06012015). Collection method: clinical testing. Allele origin: germline. Affected: yes.
Comment: A variant of uncertain significance has been identified in the LDB3 gene. The K184E variant has not been published as a pathogenic variant, nor has it been reported as a benign variant to our knowledge. The K184E variant was not observed in approximately 6500 individuals of European and African American ancestry in the NHLBI Exome Sequencing Project, indicating it is not a common benign variant in these populations. Though also not observed in these aforementioned populations by the Exome Aggregation Consortium (ExAc), ExAc did observe K184E in 10/11522 (0.09%) alleles from individuals of Latino background. The K184E variant is a non-conservative amino acid substitution, which is likely to impact secondary protein structure as these residues differ in polarity, charge, size and/or other properties. Nevertheless, this substitution occurs at a position that is not conserved across species, and in silico analysis predicts this variant likely does not alter the protein structure/function.

Stanford Center for Inherited Cardiovascular Disease, Stanford University
Classification: Uncertain significance. Last evaluated: 2015-02-17. Review status: criteria provided, single submitter. Criteria: ACMG Guidelines, 2015. Collection method: provider interpretation. Allele origin: germline.

PreventionGenetics, part of Exact Sciences
Classification: Likely benign for LDB3-related condition. Last evaluated: 2023-11-16. Review status: no assertion criteria provided. Collection method: clinical testing. Allele origin: germline. Not counted in ClinVar's aggregate classification.
Comment: This variant is classified as likely benign based on ACMG/AMP sequence variant interpretation guidelines (Richards et al. 2015 PMID: 25741868, with internal and published modifications).